The following is an entry in ClinVar:

ClinVar aggregate classification (germline): Uncertain significance (1 of 4 stars; one submission).

Conditions:
Gnathodiaphyseal dysplasia (GDD). Also called: GNATHODIAPHYSEAL SCLEROSIS; OSTEOGENESIS IMPERFECTA WITH UNUSUAL SKELETAL LESIONS. Identifiers: Orphanet 53697, MedGen C1833736, MONDO:0008151, OMIM 166260.
Autosomal recessive limb-girdle muscular dystrophy type 2L (LGMDR12). Also called: Limb-girdle muscular dystrophy, type 2L; MUSCULAR DYSTROPHY, LIMB-GIRDLE, AUTOSOMAL RECESSIVE 12; Limb-Girdle Muscular Dystrophy R12 Anoctamin-5-Related (LGMD-R12). Identifiers: Orphanet 206549, MedGen C1969785, MONDO:0012652, OMIM 611307.

Submission:

Labcorp Genetics (formerly Invitae), Labcorp
Classification: Uncertain significance for Autosomal recessive limb-girdle muscular dystrophy type 2L; Gnathodiaphyseal dysplasia. Last evaluated: 2024-04-29. Review status: criteria provided, single submitter. Criteria: Invitae Variant Classification Sherloc (09022015). Collection method: clinical testing. Allele origin: germline.
Comment: This sequence change replaces asparagine, which is neutral and polar, with aspartic acid, which is acidic and polar, at codon 567 of the ANO5 protein (p.Asn567Asp). This variant is not present in population databases (gnomAD no frequency). This variant has not been reported in the literature in individuals affected with ANO5-related conditions. Advanced modeling of protein sequence and biophysical properties (such as structural, functional, and spatial information, amino acid conservation, physicochemical variation, residue mobility, and thermodynamic stability) performed at Invitae indicates that this missense variant is expected to disrupt ANO5 protein function with a positive predictive value of 95%. In summary, the available evidence is currently insufficient to determine the role of this variant in disease. Therefore, it has been classified as a Variant of Uncertain Significance.

NM_213599.3(ANO5):c.1699A>G (p.Asn567Asp)

Gene: ANO5 (anoctamin 5; plus strand). Cytogenetic location: 11p14.3.
Variant type: single nucleotide variant.
Coding change: c.1699A>G on transcript NM_213599.3 (MANE Select); coding-DNA position 1699, A replaced by G.
Protein change: p.Asn567Asp; replaces asparagine 567 with aspartic acid.
Molecular consequence: missense variant.
Genome position (GRCh38, 1-based): chr11:22,262,197, A>G. VCF-style: chr11-22262197-A-G. GRCh37 (hg19) VCF-style: chr11-22283743-A-G.
Other names: c.1696A>G, p.Asn566Asp (NM_001142649.2); c.1657A>G, p.Asn553Asp (NM_001410963.1); c.1654A>G, p.Asn552Asp (NM_001410964.1); short protein forms N552D, N553D, N566D, N567D.
Identifiers: ClinVar variation 3753735 (VCV003753735.2).